The following is an entry in ClinVar:

ClinVar aggregate classification (germline): Conflicting classifications of pathogenicity. Review status: criteria provided, conflicting classifications (1 of 4 stars). 11 submissions from 11 submitters: Uncertain significance (4); Benign (1); Likely benign (5). 1 of the submissions does not count toward it. Last evaluated 2025-12-13.

Conditions:
Cardiovascular phenotype. Identifiers: MedGen CN230736.
Catecholaminergic polymorphic ventricular tachycardia 1. Also called: RYR2-Related Catecholaminergic Polymorphic Ventricular Tachycardia; VENTRICULAR TACHYCARDIA, STRESS-INDUCED POLYMORPHIC 1; VENTRICULAR TACHYCARDIA, CATECHOLAMINERGIC POLYMORPHIC, 1, WITH OR WITHOUT ATRIAL DYSFUNCTION AND/OR DILATED CARDIOMYOPATHY. Identifiers: Orphanet 3286, MedGen C1631597, MONDO:0011484, OMIM 604772.
Arrhythmogenic right ventricular dysplasia 2. Identifiers: MedGen C1832931.
Cardiomyopathy (CMYO). Also called: Cardiomyopathies. Identifiers: Orphanet 167848, MedGen C0878544, MONDO:0004994, HP:0001638. Inheritance: Various modes of inheritance.

Allele frequency attached by ClinVar (database versions not stated): gnomAD exomes 0.00007; ExAC 0.00017; TOPMed 0.00030; gnomAD 0.00040 and 0.00046.
gnomAD v4.1: 97 of 1,225,470 alleles (0.0079%); highest among the groups gnomAD compares: African/African-American, 0.13%; no homozygotes.

Submissions (11):

Labcorp Genetics (formerly Invitae), Labcorp
Classification: Likely benign for Catecholaminergic polymorphic ventricular tachycardia 1. Last evaluated: 2025-12-13. Review status: criteria provided, single submitter. Criteria: Invitae Variant Classification Sherloc (09022015). Collection method: clinical testing. Allele origin: germline.

GeneDx
Classification: Uncertain significance. Last evaluated: 2025-07-17. Review status: criteria provided, single submitter. Criteria: GeneDx Variant Classification Process June 2021. Collection method: clinical testing. Allele origin: germline. Affected: yes.
Comment: Has not been previously published as pathogenic or benign to our knowledge; In silico analysis supports that this missense variant has a deleterious effect on protein structure/function; Not located in one of the three hot-spot regions of the RYR2 gene, where the majority of pathogenic missense variants occur (PMID: 19926015); This variant is associated with the following publications: (PMID: 19926015)

Mayo Clinic Laboratories, Mayo Clinic
Classification: Likely benign. Last evaluated: 2025-06-13. Review status: criteria provided, single submitter. Criteria: ACMG Guidelines, 2015. Collection method: clinical testing. Allele origin: germline. Observed: 1 variant allele.
Comment: BS1

Molecular Diagnostic Laboratory for Inherited Cardiovascular Disease, Montreal Heart Institute
Classification: Uncertain significance for Cardiovascular phenotype. Last evaluated: 2025-04-09. Review status: criteria provided, single submitter. Criteria: ACMG Guidelines, 2015. Collection method: clinical testing. Allele origin: germline. Affected: yes.

Blueprint Genetics
Classification: Likely benign. Last evaluated: 2024-09-10. Review status: criteria provided, single submitter. Criteria: ACMG Guidelines, 2015. Collection method: clinical testing. Allele origin: germline.

Ambry Genetics
Classification: Likely benign for Cardiovascular phenotype. Last evaluated: 2020-08-13. Review status: criteria provided, single submitter. Criteria: Ambry Variant Classification Scheme 2023. Collection method: clinical testing. Allele origin: germline.

Revvity Omics, Revvity
Classification: Uncertain significance. Last evaluated: 2019-04-25. Review status: criteria provided, single submitter. Criteria: ACMG Guidelines, 2015. Collection method: clinical testing. Allele origin: germline.

Color Diagnostics, LLC DBA Color Health
Classification: Likely benign for Cardiomyopathy. Last evaluated: 2018-11-26. Review status: criteria provided, single submitter. Criteria: ACMG Guidelines, 2015. Collection method: clinical testing. Allele origin: germline.

Women's Health and Genetics/Laboratory Corporation of America, LabCorp
Classification: Benign. Last evaluated: 2018-09-04. Review status: criteria provided, single submitter. Criteria: LabCorp Variant Classification Summary - May 2015. Collection method: clinical testing. Allele origin: germline.
Comment: Variant summary: RYR2 c.1822C>T (p.His608Tyr) results in a conservative amino acid change located in the RIH and B30.2/SPRY domains of the encoded protein sequence. Three of five in-silico tools predict a benign effect of the variant on protein function. The variant allele was found at a frequency of 0.00018 in 178558 control chromosomes, predominantly within the African subpopulation at a frequency of 0.0019 in the gnomAD database. This frequency within African control individuals is approximately 76-fold above the estimated maximal expected allele frequency for a pathogenic variant in RYR2 causing Cardiomyopathy phenotype (2.5e-05), strongly suggesting that the variant is a benign polymorphism found primarily in populations of African origin. The variant, c.1822C>T, has been reported in the literature in individuals affected with Cardiomyopathy without evidence for causality. To our knowledge, no experimental evidence demonstrating an impact on protein function has been reported. Three clinical diagnostic laboratories have submitted clinical-significance assessments for this variant to ClinVar after 2014 without evidence for independent evaluation, with classifications of uncertain significance (2x) and likely benign (1x). Based on the evidence outlined above, the variant was classified as benign.

Laboratory for Molecular Medicine, Mass General Brigham Personalized Medicine
Classification: Uncertain significance. Last evaluated: 2013-10-10. Review status: criteria provided, single submitter. Criteria: LMM Criteria. Collection method: clinical testing. Allele origin: germline. Observed: 2 variant alleles.
Comment: The His608Tyr variant in RYR2 has not been reported in individuals with cardiomy opathy and data from large population studies is insufficient to assess the freq uency of this variant. Computational analyses (biochemical amino acid properties , conservation, AlignGVGD, PolyPhen2, and SIFT) do not provide strong support fo r or against an impact to the protein, though 1 fish (stickleback) carries a tyr osine (Tyr; this variant), raising the possibility that the change may be tolera ted. Additional information is needed to fully assess the clinical significance of the His608Tyr variant.

Division of Human Genetics, Children's Hospital of Philadelphia
Classification: Uncertain significance for Catecholaminergic polymorphic ventricular tachycardia 1. Last evaluated: 2016-04-27. Review status: no assertion criteria provided. Collection method: research. Allele origin: paternal. Affected: yes. Study: CSER-PediSeq. Not counted in ClinVar's aggregate classification.

NM_001035.3(RYR2):c.1822C>T (p.His608Tyr)

Gene: RYR2 (ryanodine receptor 2; plus strand). Cytogenetic location: 1q43.
Variant type: single nucleotide variant.
Coding change: c.1822C>T on transcript NM_001035.3 (MANE Select); coding-DNA position 1822, C replaced by T.
Protein change: p.His608Tyr; replaces histidine 608 with tyrosine.
Molecular consequence: missense variant.
Genome position (GRCh38, 1-based): chr1:237,491,919, C>T. VCF-style: chr1-237491919-C-T. GRCh37 (hg19) VCF-style: chr1-237655219-C-T.
Other names: p.H608Y:CAC>TAC; short protein forms H608Y.
Identifiers: ClinVar variation 179220 (VCV000179220.34), dbSNP rs727504718, ClinGen allele CA008596.